The following is an entry in ClinVar:

ClinVar aggregate classification (germline): Likely pathogenic. Review status: criteria provided, multiple submitters, no conflicts (2 of 4 stars). 3 submissions from 3 submitters: Likely pathogenic (2). 1 of the submissions does not count toward it. Last evaluated 2024-03-29.

Conditions:
Charcot-Marie-Tooth disease, axonal, type 2FF. Also called: CHARCOT-MARIE-TOOTH NEUROPATHY, TYPE 2FF. Identifiers: MedGen C5561981, MONDO:0030433, OMIM 619519.

Submissions (3):

Genomic Medicine Center of Excellence, King Faisal Specialist Hospital and Research Centre
Classification: Likely pathogenic for Charcot-Marie-Tooth disease, axonal, type 2FF. Last evaluated: 2024-03-29. Review status: criteria provided, single submitter. Criteria: ACMG Guidelines, 2015. Collection method: clinical testing. Allele origin: germline.

GeneDx
Classification: Likely pathogenic. Last evaluated: 2024-02-01. Review status: criteria provided, single submitter. Criteria: GeneDx Variant Classification Process June 2021. Collection method: clinical testing. Allele origin: germline. Affected: yes.
Comment: Not observed at significant frequency in large population cohorts (gnomAD); In silico analysis supports that this missense variant has a deleterious effect on protein structure/function; This variant is associated with the following publications: (PMID: 33889941)

OMIM
Classification: Pathogenic for CHARCOT-MARIE-TOOTH DISEASE, AXONAL, TYPE 2FF. Last evaluated: 2021-09-16. Review status: no assertion criteria provided. Collection method: literature only. Allele origin: germline. Not counted in ClinVar's aggregate classification.

Literature cited by the submitters: PubMed 33889941 (cited by OMIM).

NM_001127173.3(CADM3):c.413A>G (p.Tyr138Cys)

Gene: CADM3 (cell adhesion molecule 3; plus strand). Cytogenetic location: 1q23.2.
Variant type: single nucleotide variant.
Coding change: c.413A>G on transcript NM_001127173.3 (MANE Select); coding-DNA position 413, A replaced by G.
Protein change: p.Tyr138Cys; replaces tyrosine 138 with cysteine.
Molecular consequence: missense variant.
Genome position (GRCh38, 1-based): chr1:159,193,453, A>G. VCF-style: chr1-159193453-A-G. GRCh37 (hg19) VCF-style: chr1-159163243-A-G.
Other names: c.413A>G, p.Tyr138Cys (NM_001346510.2); c.515A>G, p.Tyr172Cys (NM_021189.5); c.515A>G (NM_021189.3); short protein forms Y172C, Y138C.
Identifiers: ClinVar variation 1268234 (VCV001268234.3), dbSNP rs2102125471, ClinGen allele CA343055131.